The following is an entry in ClinVar:

NM_006080.3(SEMA3A):c.533C>T (p.Ala178Val)

Gene: SEMA3A (semaphorin 3A; minus strand). Cytogenetic location: 7q21.11.
Variant type: single nucleotide variant.
Coding change: c.533C>T on transcript NM_006080.3 (MANE Select); coding-DNA position 533, C replaced by T.
Protein change: p.Ala178Val; replaces alanine 178 with valine.
Molecular consequence: missense variant.
Genome position (GRCh38, 1-based): chr7:84,060,479, G>A on the plus strand (C>T on the coding strand, the complement: SEMA3A is on the minus strand). VCF-style: chr7-84060479-G-A. GRCh37 (hg19) VCF-style: chr7-83689795-G-A.
Other names: short protein forms A178V.
Identifiers: ClinVar variation 3348887 (VCV003348887.1).
Genomic context (GRCh38, chr7:84,060,479, plus strand): 5'-GTTATTTATAGAAAACTCACTATTTAATTGATTGTTGACTACGCACCTATTAAAAGGGAT[G>A]CTGTCAGCAGCTTAGGGTCATATGGACTCTTCCCACGGCCGTTTTCAAAATGTGAGTTCT-3'
Protein context (NP_006071.1, residues 168-188): KSPYDPKLLT[Ala178Val]SLLIDGELYS

ClinVar aggregate classification (germline): Uncertain significance (0 of 4 stars; one submission).

Conditions:
SEMA3A-related disorder. Also called: SEMA3A-related condition.

Submission:

PreventionGenetics, part of Exact Sciences
Classification: Uncertain significance for SEMA3A-related condition. Last evaluated: 2023-11-29. Review status: no assertion criteria provided. Collection method: clinical testing. Allele origin: germline.
Comment: The SEMA3A c.533C>T variant is predicted to result in the amino acid substitution p.Ala178Val. To our knowledge, this variant has not been reported in the literature or in a large population database, indicating this variant is rare. At this time, the clinical significance of this variant is uncertain due to the absence of conclusive functional and genetic evidence.